The following is an entry in ClinVar:

NM_014738.6(TMEM94):c.1617C>T (p.Ser539=)

Gene: TMEM94 (transmembrane protein 94; plus strand). Cytogenetic location: 17q25.1.
Variant type: single nucleotide variant.
Coding change: c.1617C>T on transcript NM_014738.6 (MANE Select); coding-DNA position 1617, C replaced by T.
Protein change: p.Ser539=; no amino-acid change (serine 539 retained).
Molecular consequence: synonymous variant.
Genome position (GRCh38, 1-based): chr17:75,492,494, C>T. VCF-style: chr17-75492494-C-T. GRCh37 (hg19) VCF-style: chr17-73488575-C-T.
Other names: c.1647C>T, p.Ser549= (NM_001321148.2, NM_001351203.2); c.1629C>T, p.Ser543= (NM_001321149.2, NM_001438842.1, NM_001438845.1); c.1569C>T, p.Ser523= (NM_001351202.2); c.1617C>T, p.Ser539= (NM_001438841.1, NM_001438844.1, NM_001438847.1); c.1659C>T, p.Ser553= (NM_001438843.1); c.1599C>T, p.Ser533= (NM_001438846.1); c.1581C>T, p.Ser527= (NM_001438848.1).
Identifiers: ClinVar variation 4872122 (VCV004872122.2).

ClinVar aggregate classification (germline): Likely benign (1 of 4 stars; one submission).

gnomAD v4.1: 116 of 1,591,510 alleles (0.0073%); highest among the groups gnomAD compares: African/African-American, 0.098%; no homozygotes.

Submission:

CeGaT Center for Human Genetics Tuebingen
Classification: Likely benign. Last evaluated: 2026-05-01. Review status: criteria provided, single submitter. Criteria: CeGaT Center For Human Genetics Tuebingen Variant Classification Criteria Version 2. Collection method: clinical testing. Allele origin: germline. Affected: yes. Observed: 1 variant allele.
Comment: TMEM94: BP4, BP7